The following is an entry in ClinVar:

NM_016373.4(WWOX):c.524C>T (p.Ala175Val)

Gene: WWOX (WW domain containing oxidoreductase; plus strand). Cytogenetic location: 16q23.1.
Variant type: single nucleotide variant.
Coding change: c.524C>T on transcript NM_016373.4 (MANE Select); coding-DNA position 524, C replaced by T.
Protein change: p.Ala175Val; replaces alanine 175 with valine.
Molecular consequence: missense variant.
Genome position (GRCh38, 1-based): chr16:78,386,867, C>T. VCF-style: chr16-78386867-C-T. GRCh37 (hg19) VCF-style: chr16-78420764-C-T.
Other names: c.185C>T, p.Ala62Val (NM_001291997.2); short protein forms A175V, A62V.
Identifiers: ClinVar variation 429333 (VCV000429333.2), dbSNP rs1131691324, ClinGen allele CA396843851.

ClinVar aggregate classification (germline): Uncertain significance (1 of 4 stars; one submission).

Allele frequency attached by ClinVar (database versions not stated): gnomAD exomes 0.00001.
gnomAD v4.1: 8 of 1,613,902 alleles (0.0005%); highest among the groups gnomAD compares: Non-Finnish European, 0.00068%; no homozygotes.

Submission:

GeneDx
Classification: Uncertain significance. Last evaluated: 2017-04-27. Review status: criteria provided, single submitter. Criteria: GeneDx Variant Classification (06012015). Collection method: clinical testing. Allele origin: germline. Affected: yes.
Comment: A variant of uncertain significance has been identified in the WWOX gene. The A175V variant has not been published as a pathogenic variant, nor has it been reported as a benign variant to our knowledge. The A175V variant is not observed in large population cohorts (Lek et al., 2016; 1000 Genomes Consortium et al., 2015; Exome Variant Server). This substitution occurs at a position that is conserved across species. However, the A175V variant is a conservative amino acid substitution, which is not likely to impact secondary protein structure as these residues share similar properties. In silico analysis is inconsistent in its predictions as to whether or not the variant is damaging to the protein structure/function. Therefore, based on the currently available information, it is unclear whether this variant is a pathogenic variant or a rare benign variant.